The following is an entry in ClinVar:

NM_000136.3(FANCC):c.1035T>G (p.Ser345=)

Genes: FANCC (FA complementation group C; minus strand), AOPEP (aminopeptidase O (putative); plus strand). Cytogenetic location: 9q22.32.
Variant type: single nucleotide variant.
Coding change: c.1035T>G on transcript NM_000136.3 (MANE Select); coding-DNA position 1035, T replaced by G.
Protein change: p.Ser345=; no amino-acid change (serine 345 retained).
Molecular consequence: synonymous variant.
Genome position (GRCh38, 1-based): chr9:95,117,352, A>C on the plus strand (T>G on the coding strand, the complement: FANCC is on the minus strand). VCF-style: chr9-95117352-A-C. GRCh37 (hg19) VCF-style: chr9-97879634-A-C.
Other names: c.1035T>G, p.Ser345= (NM_001243743.2, NM_001243744.2).
Identifiers: ClinVar variation 385617 (VCV000385617.16), dbSNP rs1057522277, ClinGen allele CA16605559.

ClinVar aggregate classification (germline): Likely benign. Review status: criteria provided, multiple submitters, no conflicts (2 of 4 stars). 4 submissions from 4 submitters: Likely benign (3). 1 of the submissions does not count toward it. Last evaluated 2024-02-05.

Conditions:
Hereditary cancer-predisposing syndrome. Also called: Hereditary Cancer Syndrome; Hereditary neoplastic syndrome; Neoplastic Syndromes, Hereditary; Tumor predisposition. Identifiers: Orphanet 140162, MedGen C0027672, MeSH D009386, MONDO:0015356.
Fanconi anemia (FA). Also called: Fanconi's anemia. Identifiers: Orphanet 84, MedGen C0015625, MeSH D005199, MONDO:0019391.
FANCC-related disorder. Also called: FANCC-related condition.

Allele frequency attached by ClinVar (database versions not stated): gnomAD exomes below 0.00001; gnomAD 0.00001.
gnomAD v4.1: 7 of 1,614,010 alleles (0.00043%); highest among the groups gnomAD compares: Non-Finnish European, 0.00059%; no homozygotes.

Submissions (4):

Labcorp Genetics (formerly Invitae), Labcorp
Classification: Likely benign for Fanconi anemia. Last evaluated: 2024-02-05. Review status: criteria provided, single submitter. Criteria: Invitae Variant Classification Sherloc (09022015). Collection method: clinical testing. Allele origin: germline.

Ambry Genetics
Classification: Likely benign for Hereditary cancer-predisposing syndrome. Last evaluated: 2018-11-21. Review status: criteria provided, single submitter. Criteria: Ambry Variant Classification Scheme 2023. Collection method: clinical testing. Allele origin: germline.

GeneDx
Classification: Likely benign. Last evaluated: 2016-04-19. Review status: criteria provided, single submitter. Criteria: GeneDx Variant Classification (06012015). Collection method: clinical testing. Allele origin: germline. Affected: yes.
Comment: This variant is considered likely benign or benign based on one or more of the following criteria: it is a conservative change, it occurs at a poorly conserved position in the protein, it is predicted to be benign by multiple in silico algorithms, and/or has population frequency not consistent with disease.

PreventionGenetics, part of Exact Sciences
Classification: Likely benign for FANCC-related condition. Last evaluated: 2023-05-26. Review status: no assertion criteria provided. Collection method: clinical testing. Allele origin: germline. Not counted in ClinVar's aggregate classification.
Comment: This variant is classified as likely benign based on ACMG/AMP sequence variant interpretation guidelines (Richards et al. 2015 PMID: 25741868, with internal and published modifications).